The following is an entry in ClinVar:

NM_006186.4(NR4A2):c.395C>T (p.Thr132Ile)

Gene: NR4A2 (nuclear receptor subfamily 4 group A member 2; minus strand). Cytogenetic location: 2q24.1.
Variant type: single nucleotide variant.
Coding change: c.395C>T on transcript NM_006186.4 (MANE Select); coding-DNA position 395, C replaced by T.
Protein change: p.Thr132Ile; replaces threonine 132 with isoleucine.
Molecular consequence: missense variant.
Genome position (GRCh38, 1-based): chr2:156,329,792, G>A on the plus strand (C>T on the coding strand, the complement: NR4A2 is on the minus strand). VCF-style: chr2-156329792-G-A. GRCh37 (hg19) VCF-style: chr2-157186304-G-A.
Other names: c.206C>T, p.Thr69Ile (NM_173173.3); short protein forms T132I, T69I.
Identifiers: ClinVar variation 4795303 (VCV004795303.1).

ClinVar aggregate classification (germline): Uncertain significance (1 of 4 stars; one submission).

Submission:

GeneDx
Classification: Uncertain significance. Last evaluated: 2025-08-15. Review status: criteria provided, single submitter. Criteria: GeneDx Variant Classification Process June 2021. Collection method: clinical testing. Allele origin: germline. Affected: yes.
Comment: Not observed at significant frequency in large population cohorts (gnomAD); In silico analysis supports that this missense variant has a deleterious effect on protein structure/function; Has not been previously published as pathogenic or benign to our knowledge